The following is an entry in ClinVar:

NM_032776.3(JMJD1C):c.5511A>T (p.Arg1837Ser)

Gene: JMJD1C (jumonji domain containing 1C; minus strand). Cytogenetic location: 10q21.3.
Variant type: single nucleotide variant.
Coding change: c.5511A>T on transcript NM_032776.3 (MANE Select); coding-DNA position 5511, A replaced by T.
Protein change: p.Arg1837Ser; replaces arginine 1837 with serine.
Molecular consequence: missense variant. On other transcripts: non-coding transcript variant (1).
Genome position (GRCh38, 1-based): chr10:63,197,544, T>A on the plus strand (A>T on the coding strand, the complement: JMJD1C is on the minus strand). VCF-style: chr10-63197544-T-A. GRCh37 (hg19) VCF-style: chr10-64957304-T-A.
Other names: c.4965A>T, p.Arg1655Ser (NM_001282948.2, NM_001318154.2); c.4647A>T, p.Arg1549Ser (NM_001318153.2); c.5397A>T, p.Arg1799Ser (NM_001322252.2); c.4854A>T, p.Arg1618Ser (NM_001322254.2, NM_001322258.2); short protein forms R1549S, R1618S, R1655S, R1799S, R1837S.
Identifiers: ClinVar variation 1718220 (VCV001718220.5), dbSNP rs2492526247, ClinGen allele CA377031099.

ClinVar aggregate classification (germline): Uncertain significance (1 of 4 stars; one submission).

Conditions:
Early Myoclonic Encephalopathy. Identifiers: MedGen C0270855.

Allele frequency attached by ClinVar (database versions not stated): gnomAD exomes below 0.00001.
gnomAD v4.1: 1 of 1,554,244 alleles (0.000064%); highest among the groups gnomAD compares: Non-Finnish European, 0.000087%; no homozygotes.

Submission:

Labcorp Genetics (formerly Invitae), Labcorp
Classification: Uncertain significance for Early Myoclonic Encephalopathy. Last evaluated: 2022-08-28. Review status: criteria provided, single submitter. Criteria: Invitae Variant Classification Sherloc (09022015). Collection method: clinical testing. Allele origin: germline.
Comment: This variant has not been reported in the literature in individuals affected with JMJD1C-related conditions. This variant is not present in population databases (gnomAD no frequency). This sequence change replaces arginine, which is basic and polar, with serine, which is neutral and polar, at codon 1837 of the JMJD1C protein (p.Arg1837Ser). Algorithms developed to predict the effect of missense changes on protein structure and function are either unavailable or do not agree on the potential impact of this missense change (SIFT: "Deleterious"; PolyPhen-2: "Probably Damaging"; Align-GVGD: "Class C0"). In summary, the available evidence is currently insufficient to determine the role of this variant in disease. Therefore, it has been classified as a Variant of Uncertain Significance.